The following is an entry in ClinVar:

ClinVar aggregate classification (germline): Uncertain significance (1 of 4 stars; one submission).

Allele frequency attached by ClinVar (database versions not stated): gnomAD exomes below 0.00001.
gnomAD v4.1: 1 of 1,466,554 alleles (0.000068%); highest among the groups gnomAD compares: Non-Finnish European, 0.00009%; no homozygotes.

Submission:

GeneDx
Classification: Uncertain significance. Last evaluated: 2026-08-28. Review status: criteria provided, single submitter. Criteria: GeneDx Variant Classification Process June 2021. Collection method: clinical testing. Allele origin: germline.
Comment: Not observed at significant frequency in large population cohorts (gnomAD); In silico analysis supports that this missense variant does not alter protein structure/function; Has not been previously published as pathogenic or benign to our knowledge

NM_006015.6(ARID1A):c.698C>T (p.Ser233Phe)

Genes: ARID1A (AT-rich interaction domain 1A; plus strand), LOC129929837 (ATAC-STARR-seq lymphoblastoid silent region 489; plus strand). Cytogenetic location: 1p36.11.
Variant type: single nucleotide variant.
Coding change: c.698C>T on transcript NM_006015.6 (MANE Select); coding-DNA position 698, C replaced by T.
Protein change: p.Ser233Phe; replaces serine 233 with phenylalanine.
Molecular consequence: missense variant.
Genome position (GRCh38, 1-based): chr1:26,697,101, C>T. VCF-style: chr1-26697101-C-T. GRCh37 (hg19) VCF-style: chr1-27023592-C-T.
Other names: c.698C>T, p.Ser233Phe (NM_139135.4); short protein forms S233F.
Identifiers: ClinVar variation 2578137 (VCV002578137.2), dbSNP rs759726621, ClinGen allele CA706664.